The following is an entry in ClinVar:

NM_025114.4(CEP290):c.2450A>G (p.His817Arg)

Gene: CEP290 (centrosomal protein 290; minus strand). Cytogenetic location: 12q21.32.
Variant type: single nucleotide variant.
Coding change: c.2450A>G on transcript NM_025114.4 (MANE Select); coding-DNA position 2450, A replaced by G.
Protein change: p.His817Arg; replaces histidine 817 with arginine.
Molecular consequence: missense variant.
Genome position (GRCh38, 1-based): chr12:88,109,099, T>C on the plus strand (A>G on the coding strand, the complement: CEP290 is on the minus strand). VCF-style: chr12-88109099-T-C. GRCh37 (hg19) VCF-style: chr12-88502876-T-C.
Other names: short protein forms H817R.
Identifiers: ClinVar variation 1378829 (VCV001378829.8), dbSNP rs1251392498, ClinGen allele CA385972677.
Genomic context (GRCh38, chr12:88,109,099, plus strand): 5'-TATTTATAGTTTTGCTAATACCTATACCTTAGGTATTCTTTATACAACAAACTTTGTTGA[T>C]GACGAATTACAGCAAATTTTCTGTTGTAATCTTCAAGAGAATCTTCTAAATTCTTTAACT-3'
Protein context (NP_079390.3, residues 807-827): DYNRKFAVIR[His817Arg]QQSLLYKEYL

ClinVar aggregate classification (germline): Uncertain significance (1 of 4 stars; one submission).

Conditions:
Joubert syndrome. Also called: CEREBELLOPARENCHYMAL DISORDER IV; JOUBERT-BOLTSHAUSER SYNDROME; Familial aplasia of the vermis. Identifiers: Orphanet 475, MedGen C5979921, MONDO:0018772.
Nephronophthisis. Also called: Juvenile Nephronophthisis. Identifiers: Orphanet 655, MedGen C0687120, MONDO:0019005, HP:0000090.
Meckel-Gruber syndrome. Also called: DYSENCEPHALIA SPLANCHNOCYSTICA; GRUBER SYNDROME; Dysencephalia splachnocystica. Identifiers: Orphanet 564, MedGen C0265215, MONDO:0018921.

Allele frequency attached by ClinVar (database versions not stated): TOPMed below 0.00001.
gnomAD v4.1: 1 of 1,442,802 alleles (0.000069%); no homozygotes.

Submission:

Labcorp Genetics (formerly Invitae), Labcorp
Classification: Uncertain significance for Joubert syndrome; Meckel-Gruber syndrome; Nephronophthisis. Last evaluated: 2023-12-11. Review status: criteria provided, single submitter. Criteria: Invitae Variant Classification Sherloc (09022015). Collection method: clinical testing. Allele origin: germline.
Comment: This sequence change replaces histidine, which is basic and polar, with arginine, which is basic and polar, at codon 817 of the CEP290 protein (p.His817Arg). This variant is not present in population databases (gnomAD no frequency). This variant has not been reported in the literature in individuals affected with CEP290-related conditions. ClinVar contains an entry for this variant (Variation ID: 1378829). Advanced modeling of protein sequence and biophysical properties (such as structural, functional, and spatial information, amino acid conservation, physicochemical variation, residue mobility, and thermodynamic stability) performed at Invitae indicates that this missense variant is expected to disrupt CEP290 protein function with a positive predictive value of 80%. In summary, the available evidence is currently insufficient to determine the role of this variant in disease. Therefore, it has been classified as a Variant of Uncertain Significance.